The following is an entry in ClinVar:

ClinVar aggregate classification (germline): Uncertain significance (1 of 4 stars; one submission).

Submission:

Labcorp Genetics (formerly Invitae), Labcorp
Classification: Uncertain significance. Last evaluated: 2024-04-29. Review status: criteria provided, single submitter. Criteria: Invitae Variant Classification Sherloc (09022015). Collection method: clinical testing. Allele origin: germline.
Comment: This sequence change falls in intron 2 of the MRAS gene. It does not directly change the encoded amino acid sequence of the MRAS protein. This variant is not present in population databases (gnomAD no frequency). This variant has not been reported in the literature in individuals affected with MRAS-related conditions. Algorithms developed to predict the effect of sequence changes on RNA splicing suggest that this variant may disrupt the consensus splice site. In summary, the available evidence is currently insufficient to determine the role of this variant in disease. Therefore, it has been classified as a Variant of Uncertain Significance.

NM_001085049.3(MRAS):c.194-9C>A

Gene: MRAS (muscle RAS oncogene homolog; plus strand). Cytogenetic location: 3q22.3.
Variant type: single nucleotide variant.
Coding change: c.194-9C>A on transcript NM_001085049.3 (MANE Select); 9 bases into the intron before coding-DNA position 194, C replaced by A.
Molecular consequence: intron variant.
Genome position (GRCh38, 1-based): chr3:138,397,315, C>A. VCF-style: chr3-138397315-C-A. GRCh37 (hg19) VCF-style: chr3-138116157-C-A.
Other names: c.194-9C>A (NM_012219.4, NM_001252090.2); c.-35-9C>A (NM_001252091.1, NM_001252093.2, NM_001252092.2).
Identifiers: ClinVar variation 3651560 (VCV003651560.2).